The following is an entry in ClinVar:

NM_000064.4(C3):c.1345G>A (p.Val449Met)

Gene: C3 (complement C3; minus strand). Cytogenetic location: 19p13.3.
Variant type: single nucleotide variant.
Coding change: c.1345G>A on transcript NM_000064.4 (MANE Select); coding-DNA position 1345, G replaced by A.
Protein change: p.Val449Met; replaces valine 449 with methionine.
Molecular consequence: missense variant.
Genome position (GRCh38, 1-based): chr19:6,711,121, C>T on the plus strand (G>A on the coding strand, the complement: C3 is on the minus strand). VCF-style: chr19-6711121-C-T. GRCh37 (hg19) VCF-style: chr19-6711132-C-T.
Other names: short protein forms V449M.
Identifiers: ClinVar variation 3711409 (VCV003711409.3).

ClinVar aggregate classification (germline): Uncertain significance. Review status: criteria provided, multiple submitters, no conflicts (2 of 4 stars). 2 submissions from 2 submitters: Uncertain significance (2). Last evaluated 2025-09-30.

Conditions:
Atypical hemolytic-uremic syndrome. Identifiers: Orphanet 2134, MedGen C2931788, MONDO:0016244.
C3 glomerulonephritis. Also called: Nephropathy due to CFHR5 Deficiency; C3 GLOMERULOPATHY 3. Identifiers: Orphanet 329931, MedGen C4055342, MONDO:0013892, OMIM 614809.
Complement component 3 deficiency. Identifiers: Orphanet 280133, MedGen C3151071, MONDO:0013417, OMIM 613779.

gnomAD v4.1: 62 of 1,613,854 alleles (0.0038%); highest among the groups gnomAD compares: Non-Finnish European, 0.0051%; no homozygotes.

Submissions (2):

Genomenon, Inc
Classification: Uncertain significance for Complement component 3 deficiency; C3 glomerulonephritis; Atypical hemolytic-uremic syndrome. Last evaluated: 2025-09-30. Review status: criteria provided, single submitter. Criteria: Genomenon Sequence Variant Interpretation Standards. Collection method: curation. Allele origin: germline. Affected: no.
Comment: C3 p.Val449Met (c.1345G>A) is a missense variant that changes the amino acid at residue 449 from Valine to Methionine. This variant has been reported in the published literature (PMID:37466676). It is absent or not present at a significant frequency in gnomAD. In silico models agree that this variant is not damaging. In conclusion, we classify C3 p.Val449Met (c.1345G>A) as a variant of unknown significance.

Labcorp Genetics (formerly Invitae), Labcorp
Classification: Uncertain significance. Last evaluated: 2025-05-14. Review status: criteria provided, single submitter. Criteria: Invitae Variant Classification Sherloc (09022015). Collection method: clinical testing. Allele origin: germline.
Comment: This sequence change replaces valine, which is neutral and non-polar, with methionine, which is neutral and non-polar, at codon 449 of the C3 protein (p.Val449Met). This variant is present in population databases (no rsID available, gnomAD 0.002%). This missense change has been observed in individual(s) with clinical features of hemolytic uremic syndrome (PMID: 37466676). ClinVar contains an entry for this variant (Variation ID: 3711409). An algorithm developed to predict the effect of missense changes on protein structure and function outputs the following: PolyPhen-2: "Benign". The methionine amino acid residue is found in multiple mammalian species, which suggests that this missense change does not adversely affect protein function. In summary, the available evidence is currently insufficient to determine the role of this variant in disease. Therefore, it has been classified as a Variant of Uncertain Significance.

Literature cited by the submitters: PubMed 37466676 (cited by Genomenon, Inc and Labcorp Genetics (formerly Invitae), Labcorp).